The following is an entry in ClinVar:

NM_020937.4(FANCM):c.1993T>G (p.Tyr665Asp)

Gene: FANCM (FA complementation group M; plus strand). Cytogenetic location: 14q21.2.
Variant type: single nucleotide variant.
Coding change: c.1993T>G on transcript NM_020937.4 (MANE Select); coding-DNA position 1993, T replaced by G.
Protein change: p.Tyr665Asp; replaces tyrosine 665 with aspartic acid.
Molecular consequence: missense variant.
Genome position (GRCh38, 1-based): chr14:45,167,154, T>G. VCF-style: chr14-45167154-T-G. GRCh37 (hg19) VCF-style: chr14-45636357-T-G.
Other names: c.1915T>G, p.Tyr639Asp (NM_001308133.2); c.1993T>G, p.Tyr665Asp (NM_001308134.2); short protein forms Y639D, Y665D.
Identifiers: ClinVar variation 3372266 (VCV003372266.1).

ClinVar aggregate classification (germline): Uncertain significance (1 of 4 stars; one submission).

Submission:

GeneDx
Classification: Uncertain significance. Last evaluated: 2024-04-07. Review status: criteria provided, single submitter. Criteria: GeneDx Variant Classification Process June 2021. Collection method: clinical testing. Allele origin: germline. Affected: yes.
Comment: Not observed at significant frequency in large population cohorts (gnomAD); In silico analysis indicates that this missense variant does not alter protein structure/function; Has not been previously published as pathogenic or benign to our knowledge